The following is an entry in ClinVar:

NM_001080414.4(CCDC88C):c.4105C>T (p.Gln1369Ter)

Gene: CCDC88C (coiled-coil and HOOK domain protein 88C; minus strand). Cytogenetic location: 14q32.11.
Variant type: single nucleotide variant.
Coding change: c.4105C>T on transcript NM_001080414.4 (MANE Select); coding-DNA position 4105, C replaced by T.
Protein change: p.Gln1369Ter; replaces glutamine 1369 with a stop codon.
Molecular consequence: nonsense.
Genome position (GRCh38, 1-based): chr14:91,294,180, G>A on the plus strand (C>T on the coding strand, the complement: CCDC88C is on the minus strand). VCF-style: chr14-91294180-G-A. GRCh37 (hg19) VCF-style: chr14-91760524-G-A.
Other names: short protein forms Q1369*.
Identifiers: ClinVar variation 2917641 (VCV002917641.3), dbSNP rs887206656, ClinGen allele CA265544792.
Genomic context (GRCh38, chr14:91,294,180, plus strand): 5'-GATGTGCAGCTGTGGTGAGGGTGCGGAGAGGGGTTCAGGGACTCCCTGCTTACATGTACT[G>A]CTTCTGCTCCTCATGGTACTGCTCCTTGTTCTCCATGTTCTGCTCCAGAAGCATCTGGTT-3'

ClinVar aggregate classification (germline): Pathogenic. Review status: criteria provided, multiple submitters, no conflicts (2 of 4 stars). 2 submissions from 2 submitters: Pathogenic (2). Last evaluated 2024-07-20.

Conditions:
Hydrocephalus, nonsyndromic, autosomal recessive 1 (HYC1). Also called: Congenital hydrocephalus 1; Hydrocephalus, nonsyndromic, autosomal recessive. Identifiers: Orphanet 2185, MedGen C3887608, MONDO:0009360, OMIM 236600.

Allele frequency attached by ClinVar (database versions not stated): gnomAD 0.00001.
gnomAD v4.1: 1 of 1,613,882 alleles (0.000062%); highest among the groups gnomAD compares: Admixed American, 0.0017%; no homozygotes.

Submissions (2):

Myriad Genetics, Inc.
Classification: Pathogenic for Hydrocephalus, nonsyndromic, autosomal recessive 1. Last evaluated: 2024-07-20. Review status: criteria provided, single submitter. Criteria: Myriad Autosomal Dominant, Autosomal Recessive and X-Linked Classification Criteria (2023). Collection method: clinical testing. Allele origin: unknown.
Comment: NM_001080414.3(CCDC88C):c.4105C>T(Q1369*) is expected to be pathogenic in the context of congenital hydrocephalus, CCDC88C-related. This variant is predicted to lead to an abnormal or absent protein product due to the creation of a premature termination codon in CCDC88C, a gene where loss-of-function variants are known to be pathogenic. Please note: this variant was assessed in the context of healthy population screening.

Labcorp Genetics (formerly Invitae), Labcorp
Classification: Pathogenic. Last evaluated: 2023-07-31. Review status: criteria provided, single submitter. Criteria: Invitae Variant Classification Sherloc (09022015). Collection method: clinical testing. Allele origin: germline.
Comment: This variant has not been reported in the literature in individuals affected with CCDC88C-related conditions. This sequence change creates a premature translational stop signal (p.Gln1369*) in the CCDC88C gene. It is expected to result in an absent or disrupted protein product. Loss-of-function variants in CCDC88C are known to be pathogenic (PMID: 23042809, 29225145). This variant is not present in population databases (gnomAD no frequency). For these reasons, this variant has been classified as Pathogenic.

Literature cited by the submitters: PubMed 23042809 (cited by Labcorp Genetics (formerly Invitae), Labcorp); PubMed 29225145 (cited by Labcorp Genetics (formerly Invitae), Labcorp).